The following is an entry in ClinVar:

ClinVar aggregate classification (germline): Uncertain significance (1 of 4 stars; one submission).

Submission:

Labcorp Genetics (formerly Invitae), Labcorp
Classification: Uncertain significance. Last evaluated: 2023-09-03. Review status: criteria provided, single submitter. Criteria: Invitae Variant Classification Sherloc (09022015). Collection method: clinical testing. Allele origin: germline.
Comment: In summary, the available evidence is currently insufficient to determine the role of this variant in disease. Therefore, it has been classified as a Variant of Uncertain Significance. Advanced modeling of protein sequence and biophysical properties (such as structural, functional, and spatial information, amino acid conservation, physicochemical variation, residue mobility, and thermodynamic stability) performed at Invitae indicates that this missense variant is expected to disrupt CPA1 protein function. This variant has not been reported in the literature in individuals affected with CPA1-related conditions. This variant is not present in population databases (gnomAD no frequency). This sequence change replaces threonine, which is neutral and polar, with lysine, which is basic and polar, at codon 176 of the CPA1 protein (p.Thr176Lys).

NM_001868.4(CPA1):c.527C>A (p.Thr176Lys)

Gene: CPA1 (carboxypeptidase A1; plus strand). Cytogenetic location: 7q32.2.
Variant type: single nucleotide variant.
Coding change: c.527C>A on transcript NM_001868.4 (MANE Select); coding-DNA position 527, C replaced by A.
Protein change: p.Thr176Lys; replaces threonine 176 with lysine.
Molecular consequence: missense variant.
Genome position (GRCh38, 1-based): chr7:130,383,434, C>A. VCF-style: chr7-130383434-C-A. GRCh37 (hg19) VCF-style: chr7-130023275-C-A.
Other names: short protein forms T176K.
Identifiers: ClinVar variation 2757406 (VCV002757406.3), dbSNP rs782190459, ClinGen allele CA369282268.
Genomic context (GRCh38, chr7:130,383,434, plus strand): 5'-CCCTGCCTCCTCTCCAGTTCAGCACGGGGGGCAGTAAGCGTCCAGCCATCTGGATCGACA[C>A]GGGCATCCATTCCCGGGAGTGGGTCACCCAGGCCAGTGGGGTCTGGTTTGCAAAGAAGGT-3'
Protein context (NP_001859.1, residues 166-186): GSKRPAIWID[Thr176Lys]GIHSREWVTQ